The following is an entry in ClinVar:

ClinVar aggregate classification (germline): Uncertain significance (1 of 4 stars; one submission).

Conditions:
Pitt-Hopkins syndrome (PTHS). Also called: ENCEPHALOPATHY, SEVERE EPILEPTIC, WITH AUTONOMIC DYSFUNCTION; MENTAL RETARDATION, SYNDROMAL, WITH INTERMITTENT HYPERVENTILATION. Identifiers: Orphanet 2896, MedGen C1970431, MONDO:0012589, OMIM 610954.

Submission:

Labcorp Genetics (formerly Invitae), Labcorp
Classification: Uncertain significance for Pitt-Hopkins syndrome. Last evaluated: 2018-12-15. Review status: criteria provided, single submitter. Criteria: Invitae Variant Classification Sherloc (09022015). Collection method: clinical testing. Allele origin: germline.
Comment: This sequence change replaces tyrosine with histidine at codon 254 of the TCF4 protein (p.Tyr254His). The tyrosine residue is highly conserved and there is a moderate physicochemical difference between tyrosine and histidine. This variant has not been reported in the literature in individuals with TCF4-related conditions. In summary, the available evidence is currently insufficient to determine the role of this variant in disease. Therefore, it has been classified as a Variant of Uncertain Significance. Algorithms developed to predict the effect of missense changes on protein structure and function (SIFT, PolyPhen-2, Align-GVGD) all suggest that this variant is likely to be disruptive, but these predictions have not been confirmed by published functional studies and their clinical significance is uncertain. This variant is not present in population databases (ExAC no frequency).

NM_001083962.2(TCF4):c.760T>C (p.Tyr254His)

Gene: TCF4 (transcription factor 4; minus strand). Cytogenetic location: 18q21.2.
Variant type: single nucleotide variant.
Coding change: c.760T>C on transcript NM_001083962.2 (MANE Select); coding-DNA position 760, T replaced by C.
Protein change: p.Tyr254His; replaces tyrosine 254 with histidine.
Molecular consequence: missense variant.
Genome position (GRCh38, 1-based): chr18:55,275,648, A>G on the plus strand (T>C on the coding strand, the complement: TCF4 is on the minus strand). VCF-style: chr18-55275648-A-G. GRCh37 (hg19) VCF-style: chr18-52942879-A-G.
Other names: c.1066T>C, p.Tyr356His (NM_001243226.3); c.688T>C, p.Tyr230His (NM_001243227.2, NM_001348217.1, NM_001348218.2 and 9 more transcripts); c.778T>C, p.Tyr260His (NM_001243228.2); c.370T>C, p.Tyr124His (NM_001330605.3, NM_001348212.2, NM_001348213.2 and 1 more transcripts); c.634T>C, p.Tyr212His (NM_001348211.2, NM_001243231.2); c.280T>C, p.Tyr94His (NM_001348214.2, NM_001348216.2, NM_001243234.2 and 2 more transcripts); c.112T>C, p.Tyr38His (NM_001348215.2); c.685T>C, p.Tyr229His (NM_001369576.1, NM_001369578.1, NM_001369581.1 and 3 more transcripts); and 4 more; short protein forms Y252H, Y254H, Y183H, Y230H, Y260H, Y124H, Y212H, Y356H.
Identifiers: ClinVar variation 652444 (VCV000652444.8), dbSNP rs1601098241, ClinGen allele CA402701456.